The following is an entry in ClinVar:

NM_005585.5(SMAD6):c.251G>T (p.Arg84Leu)

Gene: SMAD6 (SMAD family member 6; plus strand). Cytogenetic location: 15q22.31.
Variant type: single nucleotide variant.
Coding change: c.251G>T on transcript NM_005585.5 (MANE Select); coding-DNA position 251, G replaced by T.
Protein change: p.Arg84Leu; replaces arginine 84 with leucine.
Molecular consequence: missense variant. On other transcripts: non-coding transcript variant (1).
Genome position (GRCh38, 1-based): chr15:66,703,509, G>T. VCF-style: chr15-66703509-G-T. GRCh37 (hg19) VCF-style: chr15-66995847-G-T.
Other names: short protein forms R84L.
Identifiers: ClinVar variation 4170083 (VCV004170083.2).

ClinVar aggregate classification (germline): Uncertain significance. Review status: criteria provided, multiple submitters, no conflicts (2 of 4 stars). 2 submissions from 2 submitters: Uncertain significance (2). Last evaluated 2025-08-28.

Conditions:
Inborn genetic diseases. Identifiers: MedGen C0950123, MeSH D030342.
Aortic valve disease 2 (AOVD2). Identifiers: MedGen C3542024, MONDO:0013902, OMIM 614823.

gnomAD v4.1: 2 of 1,223,576 alleles (0.00016%); highest among the groups gnomAD compares: Middle Eastern, 0.032%; no homozygotes.

Submissions (2):

Ambry Genetics
Classification: Uncertain significance for Inborn genetic diseases. Last evaluated: 2025-08-28. Review status: criteria provided, single submitter. Criteria: Ambry Variant Classification Scheme 2023. Collection method: clinical testing. Allele origin: germline.

Labcorp Genetics (formerly Invitae), Labcorp
Classification: Uncertain significance for Aortic valve disease 2. Last evaluated: 2025-08-11. Review status: criteria provided, single submitter. Criteria: Invitae Variant Classification Sherloc (09022015). Collection method: clinical testing. Allele origin: germline.
Comment: This sequence change replaces arginine, which is basic and polar, with leucine, which is neutral and non-polar, at codon 84 of the SMAD6 protein (p.Arg84Leu). This variant is not present in population databases (gnomAD no frequency). This variant has not been reported in the literature in individuals affected with SMAD6-related conditions. An algorithm developed to predict the effect of missense changes on protein structure and function (PolyPhen-2) suggests that this variant is likely to be tolerated. In summary, the available evidence is currently insufficient to determine the role of this variant in disease. Therefore, it has been classified as a Variant of Uncertain Significance.